The following is an entry in ClinVar:

ClinVar aggregate classification (germline): Benign. Review status: criteria provided, multiple submitters, no conflicts (2 of 4 stars). 5 submissions from 5 submitters: Benign (4). 1 of the submissions does not count toward it. Last evaluated 2021-11-29.

Conditions:
MTOR-related disorder. Also called: MTOR-related condition.

Allele frequency attached by ClinVar (database versions not stated): gnomAD 0.00708 and 0.00706; 1000 Genomes Project 0.00719; 1000 Genomes Project 30x 0.00750; gnomAD exomes 0.00938 and 0.00240; ExAC 0.00667; TOPMed 0.01020.
gnomAD v4.1: 4,614 of 1,612,826 alleles (0.29%); highest among the groups gnomAD compares: Admixed American, 6.2%; 145 homozygotes.

Submissions (5):

Mayo Clinic Laboratories, Mayo Clinic
Classification: Benign. Last evaluated: 2021-11-29. Review status: criteria provided, single submitter. Criteria: ACMG Guidelines, 2015. Collection method: clinical testing. Allele origin: germline. Observed: 6 variant alleles.

Labcorp Genetics (formerly Invitae), Labcorp
Classification: Benign. Last evaluated: 2019-12-31. Review status: criteria provided, single submitter. Criteria: Invitae Variant Classification Sherloc (09022015). Collection method: clinical testing. Allele origin: germline.

GeneDx
Classification: Benign. Last evaluated: 2018-08-17. Review status: criteria provided, single submitter. Criteria: GeneDx Variant Classification Process June 2021. Collection method: clinical testing. Allele origin: germline. Affected: yes.

Breakthrough Genomics
Classification: Benign. Review status: criteria provided, single submitter. Criteria: ACMG Guidelines, 2015. Collection method: not provided. Allele origin: germline. Inheritance: Autosomal dominant inheritance. Affected: yes.

PreventionGenetics, part of Exact Sciences
Classification: Benign for MTOR-related condition. Last evaluated: 2019-03-07. Review status: no assertion criteria provided. Collection method: clinical testing. Allele origin: germline. Not counted in ClinVar's aggregate classification.
Comment: This variant is classified as benign based on ACMG/AMP sequence variant interpretation guidelines (Richards et al. 2015 PMID: 25741868, with internal and published modifications).

NM_004958.4(MTOR):c.5246+8C>G

Gene: MTOR (mechanistic target of rapamycin kinase; minus strand). Cytogenetic location: 1p36.22.
Variant type: single nucleotide variant.
Coding change: c.5246+8C>G on transcript NM_004958.4 (MANE Select); 8 bases into the intron after coding-DNA position 5246, C replaced by G.
Molecular consequence: intron variant.
Genome position (GRCh38, 1-based): chr1:11,134,343, G>C on the plus strand (C>G on the coding strand, the complement: MTOR is on the minus strand). VCF-style: chr1-11134343-G-C. GRCh37 (hg19) VCF-style: chr1-11194400-G-C.
Other names: p.?.
Identifiers: ClinVar variation 770485 (VCV000770485.10), dbSNP rs185062807, ClinGen allele CA589412.